The following is an entry in ClinVar:

ClinVar aggregate classification (germline): Uncertain significance (1 of 4 stars; one submission).

gnomAD v4.1: 1 of 1,533,180 alleles (0.000065%); highest among the groups gnomAD compares: Non-Finnish European, 0.000088%; no homozygotes.

Submission:

Labcorp Genetics (formerly Invitae), Labcorp
Classification: Uncertain significance. Last evaluated: 2022-06-27. Review status: criteria provided, single submitter. Criteria: Invitae Variant Classification Sherloc (09022015). Collection method: clinical testing. Allele origin: germline.
Comment: In summary, the available evidence is currently insufficient to determine the role of this variant in disease. Therefore, it has been classified as a Variant of Uncertain Significance. Algorithms developed to predict the effect of missense changes on protein structure and function are either unavailable or do not agree on the potential impact of this missense change (SIFT: "Tolerated"; PolyPhen-2: "Possibly Damaging"; Align-GVGD: "Class C0"). This variant has not been reported in the literature in individuals affected with ADGRV1-related conditions. This variant is not present in population databases (gnomAD no frequency). This sequence change replaces alanine, which is neutral and non-polar, with threonine, which is neutral and polar, at codon 3019 of the ADGRV1 protein (p.Ala3019Thr).

NM_032119.4(ADGRV1):c.9055G>A (p.Ala3019Thr)

Gene: ADGRV1 (adhesion G protein-coupled receptor V1; plus strand). Cytogenetic location: 5q14.3.
Variant type: single nucleotide variant.
Coding change: c.9055G>A on transcript NM_032119.4 (MANE Select); coding-DNA position 9055, G replaced by A.
Protein change: p.Ala3019Thr; replaces alanine 3019 with threonine.
Molecular consequence: missense variant. On other transcripts: non-coding transcript variant (1).
Genome position (GRCh38, 1-based): chr5:90,712,299, G>A. VCF-style: chr5-90712299-G-A. GRCh37 (hg19) VCF-style: chr5-90008116-G-A.
Other names: short protein forms A3019T.
Identifiers: ClinVar variation 1474483 (VCV001474483.6), dbSNP rs2149722221, ClinGen allele CA360396139.